The following is an entry in ClinVar:

ClinVar aggregate classification (germline): Uncertain significance (1 of 4 stars; one submission).

Allele frequency attached by ClinVar (database versions not stated): TOPMed 0.00001; gnomAD exomes 0.00002 and 0.00001; ESP Exome Variant Server 0.00008; ExAC 0.00002.
gnomAD v4.1: 11 of 1,614,082 alleles (0.00068%); highest among the groups gnomAD compares: Admixed American, 0.0017%; no homozygotes.

Submission:

Labcorp Genetics (formerly Invitae), Labcorp
Classification: Uncertain significance. Last evaluated: 2025-12-01. Review status: criteria provided, single submitter. Criteria: Invitae Variant Classification Sherloc (09022015). Collection method: clinical testing. Allele origin: germline.
Comment: This sequence change replaces glutamic acid, which is acidic and polar, with lysine, which is basic and polar, at codon 434 of the SLC7A14 protein (p.Glu434Lys). This variant is present in population databases (rs376484132, gnomAD 0.004%). This variant has not been reported in the literature in individuals affected with SLC7A14-related conditions. ClinVar contains an entry for this variant (Variation ID: 1379367). An algorithm developed to predict the effect of missense changes on protein structure and function (PolyPhen-2) suggests that this variant is likely to be tolerated. In summary, the available evidence is currently insufficient to determine the role of this variant in disease. Therefore, it has been classified as a Variant of Uncertain Significance.

NM_020949.3(SLC7A14):c.1300G>A (p.Glu434Lys)

Genes: SLC7A14 (solute carrier family 7 member 14; minus strand), SLC7A14-AS1 (SLC7A14 antisense RNA 1; plus strand). Cytogenetic location: 3q26.2.
Variant type: single nucleotide variant.
Coding change: c.1300G>A on transcript NM_020949.3 (MANE Select); coding-DNA position 1300, G replaced by A.
Protein change: p.Glu434Lys; replaces glutamic acid 434 with lysine.
Molecular consequence: missense variant.
Genome position (GRCh38, 1-based): chr3:170,480,982, C>T on the plus strand (G>A on the coding strand, the complement: SLC7A14 is on the minus strand). VCF-style: chr3-170480982-C-T. GRCh37 (hg19) VCF-style: chr3-170198771-C-T.
Other names: short protein forms E434K.
Identifiers: ClinVar variation 1379367 (VCV001379367.6), dbSNP rs376484132, ClinGen allele CA2701645.